The following is an entry in ClinVar:

NM_006949.4(STXBP2):c.1525C>G (p.Gln509Glu)

Gene: STXBP2 (syntaxin binding protein 2; plus strand). Cytogenetic location: 19p13.2.
Variant type: single nucleotide variant.
Coding change: c.1525C>G on transcript NM_006949.4 (MANE Select); coding-DNA position 1525, C replaced by G.
Protein change: p.Gln509Glu; replaces glutamine 509 with glutamic acid.
Molecular consequence: missense variant. On other transcripts: non-coding transcript variant (1).
Genome position (GRCh38, 1-based): chr19:7,647,234, C>G. VCF-style: chr19-7647234-C-G. GRCh37 (hg19) VCF-style: chr19-7712120-C-G.
Other names: c.1516C>G, p.Gln506Glu (NM_001127396.3); c.1558C>G, p.Gln520Glu (NM_001272034.2); c.1525C>G (NM_006949.2); short protein forms Q506E, Q509E, Q520E.
Identifiers: ClinVar variation 1464119 (VCV001464119.9), dbSNP rs760061071, ClinGen allele CA9144216.

ClinVar aggregate classification (germline): Uncertain significance. Review status: criteria provided, multiple submitters, no conflicts (2 of 4 stars). 2 submissions from 2 submitters: Uncertain significance (2). Last evaluated 2026-07-14.

Conditions:
Familial hemophagocytic lymphohistiocytosis 5. Also called: STXBP2-Related Familial Hemophagocytic Lymphohistiocytosis (STXBP2-fHLH). Identifiers: Orphanet 540, MedGen C2751293, MONDO:0013135, OMIM 613101.
Inborn genetic diseases. Identifiers: MedGen C0950123, MeSH D030342.

Allele frequency attached by ClinVar (database versions not stated): ExAC 0.00001; gnomAD exomes below 0.00001 and 0.00001; TOPMed 0.00001; gnomAD 0.00001.
gnomAD v4.1: 3 of 1,611,346 alleles (0.00019%); highest among the groups gnomAD compares: African/African-American, 0.004%; no homozygotes.

Submissions (2):

Ambry Genetics
Classification: Uncertain significance for Inborn genetic diseases. Last evaluated: 2026-07-14. Review status: criteria provided, single submitter. Criteria: Ambry Variant Classification Scheme 2023. Collection method: clinical testing. Allele origin: germline.

Labcorp Genetics (formerly Invitae), Labcorp
Classification: Uncertain significance for Familial hemophagocytic lymphohistiocytosis 5. Last evaluated: 2022-07-19. Review status: criteria provided, single submitter. Criteria: Invitae Variant Classification Sherloc (09022015). Collection method: clinical testing. Allele origin: germline.
Comment: In summary, the available evidence is currently insufficient to determine the role of this variant in disease. Therefore, it has been classified as a Variant of Uncertain Significance. Algorithms developed to predict the effect of missense changes on protein structure and function are either unavailable or do not agree on the potential impact of this missense change (SIFT: "Tolerated"; PolyPhen-2: "Possibly Damaging"; Align-GVGD: "Class C0"). ClinVar contains an entry for this variant (Variation ID: 1464119). This variant has not been reported in the literature in individuals affected with STXBP2-related conditions. This variant is present in population databases (rs760061071, gnomAD 0.01%). This sequence change replaces glutamine, which is neutral and polar, with glutamic acid, which is acidic and polar, at codon 509 of the STXBP2 protein (p.Gln509Glu).